The following is an entry in ClinVar:

ClinVar aggregate classification (germline): Conflicting classifications of pathogenicity. Review status: criteria provided, conflicting classifications (1 of 4 stars). 3 submissions from 3 submitters: Uncertain significance (1); Benign (1); Likely benign (1). Last evaluated 2025-08-28.

Conditions:
Hereditary cancer-predisposing syndrome. Also called: Hereditary neoplastic syndrome; Neoplastic Syndromes, Hereditary; Hereditary Cancer Syndrome; Tumor predisposition. Identifiers: Orphanet 140162, MedGen C0027672, MeSH D009386, MONDO:0015356.
Tuberous sclerosis syndrome (TSC). Also called: Tuberous sclerosis; Tuberous Sclerosis Complex. Identifiers: Orphanet 805, MedGen C0041341, MONDO:0001734.
Tuberous sclerosis 2 (TSC2). Identifiers: Orphanet 805, MedGen C1860707, MONDO:0013199, OMIM 613254.

Allele frequency attached by ClinVar (database versions not stated): gnomAD exomes below 0.00001.
gnomAD v4.1: 6 of 1,614,186 alleles (0.00037%); highest among the groups gnomAD compares: African/African-American, 0.0013%; no homozygotes.

Submissions (3):

Color Diagnostics, LLC DBA Color Health
Classification: Uncertain significance for Tuberous sclerosis syndrome. Last evaluated: 2025-08-28. Review status: criteria provided, single submitter. Criteria: ACMG Guidelines, 2015. Collection method: clinical testing. Allele origin: germline.
Comment: This missense variant replaces valine with isoleucine at codon 118 of the TSC2 protein. Computational prediction suggests that this variant may not impact protein structure and function. To our knowledge, functional studies have not been reported for this variant. This variant has not been reported in individuals affected with TSC2-related disorders in the literature. This variant has not been identified in the general population by the Genome Aggregation Database (gnomAD). The available evidence is insufficient to determine the role of this variant in disease conclusively. Therefore, this variant is classified as a Variant of Uncertain Significance.

Labcorp Genetics (formerly Invitae), Labcorp
Classification: Benign for Tuberous sclerosis 2. Last evaluated: 2024-11-10. Review status: criteria provided, single submitter. Criteria: Invitae Variant Classification Sherloc (09022015). Collection method: clinical testing. Allele origin: germline.

Ambry Genetics
Classification: Likely benign for Hereditary cancer-predisposing syndrome. Last evaluated: 2022-03-12. Review status: criteria provided, single submitter. Criteria: Ambry Variant Classification Scheme 2023. Collection method: clinical testing. Allele origin: germline.

NM_000548.5(TSC2):c.352G>A (p.Val118Ile)

Gene: TSC2 (TSC complex subunit 2; plus strand). Cytogenetic location: 16p13.3.
Variant type: single nucleotide variant.
Coding change: c.352G>A on transcript NM_000548.5 (MANE Select); coding-DNA position 352, G replaced by A.
Protein change: p.Val118Ile; replaces valine 118 with isoleucine.
Molecular consequence: missense variant. On other transcripts: intron variant (1).
Genome position (GRCh38, 1-based): chr16:2,054,311, G>A. VCF-style: chr16-2054311-G-A. GRCh37 (hg19) VCF-style: chr16-2104312-G-A.
Other names: c.352G>A, p.Val118Ile (NM_001077183.3, NM_001114382.3, NM_001363528.2 and 3 more transcripts); c.241G>A, p.Val81Ile (NM_001318827.2); c.205G>A, p.Val69Ile (NM_001318829.2); c.385G>A, p.Val129Ile (NM_001318832.2); c.-1-1885G>A (NM_001318831.2); short protein forms V118I, V129I, V81I, V69I.
Identifiers: ClinVar variation 573256 (VCV000573256.12), dbSNP rs878854094, ClinGen allele CA394306524.